The following is an entry in ClinVar:

ClinVar aggregate classification (germline): Benign/Likely benign. Review status: criteria provided, multiple submitters, no conflicts (2 of 4 stars). 3 submissions from 3 submitters: Benign (1); Likely benign (2). Last evaluated 2025-04-24.

Conditions:
Tuberous sclerosis 1 (TSC1). Identifiers: Orphanet 805, MedGen C1854465, MONDO:0008612, OMIM 191100.
Hereditary cancer-predisposing syndrome. Also called: Hereditary neoplastic syndrome; Neoplastic Syndromes, Hereditary; Hereditary Cancer Syndrome; Tumor predisposition. Identifiers: Orphanet 140162, MedGen C0027672, MeSH D009386, MONDO:0015356.

Allele frequency attached by ClinVar (database versions not stated): TOPMed below 0.00001; gnomAD 0.00001.
gnomAD v4.1: 2 of 1,613,086 alleles (0.00012%); no homozygotes.

Submissions (3):

Myriad Genetics, Inc.
Classification: Benign for Tuberous sclerosis 1. Last evaluated: 2025-04-24. Review status: criteria provided, single submitter. Criteria: Myriad Autosomal Dominant, Autosomal Recessive and X-Linked Classification Criteria (2023). Collection method: clinical testing. Allele origin: unknown.
Comment: This variant is considered benign. This variant is a silent/synonymous amino acid change and it is not expected to impact splicing.

Labcorp Genetics (formerly Invitae), Labcorp
Classification: Likely benign for Tuberous sclerosis 1. Last evaluated: 2024-02-14. Review status: criteria provided, single submitter. Criteria: Invitae Variant Classification Sherloc (09022015). Collection method: clinical testing. Allele origin: germline.

Ambry Genetics
Classification: Likely benign for Hereditary cancer-predisposing syndrome. Last evaluated: 2020-03-13. Review status: criteria provided, single submitter. Criteria: Ambry Variant Classification Scheme 2023. Collection method: clinical testing. Allele origin: germline.

NM_000368.5(TSC1):c.2145G>C (p.Arg715=)

Gene: TSC1 (TSC complex subunit 1; minus strand). Cytogenetic location: 9q34.13.
Variant type: single nucleotide variant.
Coding change: c.2145G>C on transcript NM_000368.5 (MANE Select); coding-DNA position 2145, G replaced by C.
Protein change: p.Arg715=; no amino-acid change (arginine 715 retained).
Molecular consequence: synonymous variant.
Genome position (GRCh38, 1-based): chr9:132,903,714, C>G on the plus strand (G>C on the coding strand, the complement: TSC1 is on the minus strand). VCF-style: chr9-132903714-C-G. GRCh37 (hg19) VCF-style: chr9-135779101-C-G.
Other names: c.2142G>C, p.Arg714= (NM_001162426.2); c.1992G>C, p.Arg664= (NM_001162427.2); c.1782G>C, p.Arg594= (NM_001362177.2).
Identifiers: ClinVar variation 569176 (VCV000569176.12), dbSNP rs1379334013, ClinGen allele CA467590696.